The following is an entry in ClinVar:

ClinVar aggregate classification (germline): Uncertain significance. Review status: criteria provided, single submitter (1 of 4 stars). 2 submissions from 2 submitters: Uncertain significance (1). 1 of the submissions does not count toward it. Last evaluated 2022-07-19.

Conditions:
MHC class II deficiency. Also called: BLS, TYPE II; Bare lymphocyte syndrome 2. Identifiers: Orphanet 572, MedGen C5447452, MONDO:0008855.

Allele frequency attached by ClinVar (database versions not stated): gnomAD exomes below 0.00001; TOPMed below 0.00001.
gnomAD v4.1: 4 of 1,614,190 alleles (0.00025%); highest among the groups gnomAD compares: Admixed American, 0.0017%; no homozygotes.

Submissions (2):

Labcorp Genetics (formerly Invitae), Labcorp
Classification: Uncertain significance for MHC class II deficiency. Last evaluated: 2022-07-19. Review status: criteria provided, single submitter. Criteria: Invitae Variant Classification Sherloc (09022015). Collection method: clinical testing. Allele origin: germline.
Comment: This sequence change falls in intron 10 of the CIITA gene. It does not directly change the encoded amino acid sequence of the CIITA protein. It affects a nucleotide within the consensus splice site. This variant is present in population databases (no rsID available, gnomAD 0.003%). This variant has not been reported in the literature in individuals affected with CIITA-related conditions. ClinVar contains an entry for this variant (Variation ID: 1020295). Variants that disrupt the consensus splice site are a relatively common cause of aberrant splicing (PMID: 17576681, 9536098). Algorithms developed to predict the effect of sequence changes on RNA splicing suggest that this variant is not likely to affect RNA splicing. In summary, the available evidence is currently insufficient to determine the role of this variant in disease. Therefore, it has been classified as a Variant of Uncertain Significance.

Natera, Inc.
Classification: Uncertain significance for Bare lymphocyte syndrome type II. Last evaluated: 2021-05-19. Review status: no assertion criteria provided. Collection method: clinical testing. Allele origin: germline. Not counted in ClinVar's aggregate classification.

Literature cited by the submitters: PubMed 17576681 (cited by Labcorp Genetics (formerly Invitae), Labcorp); PubMed 9536098 (cited by Labcorp Genetics (formerly Invitae), Labcorp).

NM_000246.4(CIITA):c.1006+3G>A

Gene: CIITA (class II major histocompatibility complex transactivator; plus strand). Cytogenetic location: 16p13.13.
Variant type: single nucleotide variant.
Coding change: c.1006+3G>A on transcript NM_000246.4 (MANE Select); 3 bases into the intron after coding-DNA position 1006, G replaced by A.
Molecular consequence: intron variant.
Genome position (GRCh38, 1-based): chr16:10,904,815, G>A. VCF-style: chr16-10904815-G-A. GRCh37 (hg19) VCF-style: chr16-10998672-G-A.
Other names: c.1009+3G>A (NM_001286402.1, NM_001379332.1); c.862+3G>A (NM_001379330.1); c.1006+3G>A (NM_001379333.1); c.859+3G>A (NM_001379331.1, NM_001286403.2); c.937+3G>A (NM_001379334.1).
Identifiers: ClinVar variation 1020295 (VCV001020295.6), dbSNP rs980367583, ClinGen allele CA277742821.
Genomic context (GRCh38, chr16:10,904,815, plus strand): 5'-TCCCCCACCCAATGCCCGGCAGCTGGAGAGGTCTCCAACAAGCTTCCAAAATGGCCTGGT[G>A]AGTGATGCGGGATCTCTCTGCCCTGGGTGGTGGAGATGGAAGCCCATATCTGGCTTCACA-3'